The following is an entry in ClinVar:

ClinVar aggregate classification (germline): Pathogenic (1 of 4 stars; one submission).

Conditions:
Pleuropulmonary blastoma (PPB). Identifiers: Orphanet 64742, MedGen C1266144, MONDO:0011014, OMIM 601200, HP:0100528.

Submission:

St. Jude Molecular Pathology, St. Jude Children's Research Hospital
Classification: Pathogenic for Pleuropulmonary blastoma. Last evaluated: 2024-07-08. Review status: criteria provided, single submitter. Criteria: St. Jude Assertion Criteria 2020. Collection method: clinical testing. Allele origin: germline. Affected: yes.
Comment: The DICER1 c.3579_3594dup (p.Gly1199GlnfsTer41) change duplicates sixteen nucleotides to cause a frameshift and the creation of a premature stop codon. This change is predicted to cause protein truncation or absence of protein due to nonsense-mediated decay. This variant is also absent in gnomAD v2.1.1. In summary, this variant meets criteria to be classified as pathogenic.

NM_177438.3(DICER1):c.3579_3594dup (p.Gly1199fs)

Gene: DICER1 (dicer 1, ribonuclease III; minus strand). Cytogenetic location: 14q32.13.
Variant type: Duplication.
Coding change: c.3579_3594dup on transcript NM_177438.3 (MANE Select); coding-DNA positions 3579 to 3594, 16 bases duplicated (CAGAGACTTTTGCCAA).
Protein change: p.Gly1199fs; shifts the reading frame from glycine 1199.
Molecular consequence: frameshift variant. On other transcripts: non-coding transcript variant (6).
Genome position (GRCh38, 1-based): chr14:95,103,802-95,103,817, TTGGCAAAAGTCTCTG duplicated on the plus strand (CAGAGACTTTTGCCAA on the coding strand, the reverse complement: DICER1 is on the minus strand); duplicating any 16 consecutive bases within chr14:95,103,802-95,103,819 gives the same sequence; the c. name uses the placement nearest the transcript's 3' end. VCF-style (leftmost placement, unchanged base first): chr14-95103801-C-CTTGGCAAAAGTCTCTG. GRCh37 (hg19) VCF-style: chr14-95570138-C-CTTGGCAAAAGTCTCTG.
Other names: c.3579_3594dup, p.Gly1199fs (NM_001195573.1, NM_001271282.3, NM_001291628.2 and 12 more transcripts); c.3297_3312dup, p.Gly1105fs (NM_001395686.1); c.3174_3189dup, p.Gly1064fs (NM_001395687.1, NM_001395688.1, NM_001395689.1 and 2 more transcripts); c.3012_3027dup, p.Gly1010fs (NM_001395691.1); c.1896_1911dup, p.Gly638fs (NM_001395697.1); c.3579_3594dup (NM_177438.2); short protein forms G1010fs, G1064fs, G1105fs, G1199fs, G638fs.
Identifiers: ClinVar variation 3602641 (VCV003602641.1).